The following is an entry in ClinVar:

ClinVar aggregate classification (germline): Uncertain significance (1 of 4 stars; one submission).

gnomAD v4.1: 2 of 1,612,508 alleles (0.00012%); highest among the groups gnomAD compares: Non-Finnish European, 0.000085%; no homozygotes.

Submission:

Labcorp Genetics (formerly Invitae), Labcorp
Classification: Uncertain significance. Last evaluated: 2024-05-26. Review status: criteria provided, single submitter. Criteria: Invitae Variant Classification Sherloc (09022015). Collection method: clinical testing. Allele origin: germline.
Comment: This sequence change replaces arginine, which is basic and polar, with histidine, which is basic and polar, at codon 604 of the MTOR protein (p.Arg604His). This variant is not present in population databases (gnomAD no frequency). This variant has not been reported in the literature in individuals affected with MTOR-related conditions. Advanced modeling of protein sequence and biophysical properties (such as structural, functional, and spatial information, amino acid conservation, physicochemical variation, residue mobility, and thermodynamic stability) performed at Invitae indicates that this missense variant is not expected to disrupt MTOR protein function with a negative predictive value of 95%. In summary, the available evidence is currently insufficient to determine the role of this variant in disease. Therefore, it has been classified as a Variant of Uncertain Significance.

NM_004958.4(MTOR):c.1811G>A (p.Arg604His)

Gene: MTOR (mechanistic target of rapamycin kinase; minus strand). Cytogenetic location: 1p36.22.
Variant type: single nucleotide variant.
Coding change: c.1811G>A on transcript NM_004958.4 (MANE Select); coding-DNA position 1811, G replaced by A.
Protein change: p.Arg604His; replaces arginine 604 with histidine.
Molecular consequence: missense variant.
Genome position (GRCh38, 1-based): chr1:11,238,593, C>T on the plus strand (G>A on the coding strand, the complement: MTOR is on the minus strand). VCF-style: chr1-11238593-C-T. GRCh37 (hg19) VCF-style: chr1-11298650-C-T.
Other names: c.1811G>A, p.Arg604His (NM_001386500.1); c.563G>A, p.Arg188His (NM_001386501.1); short protein forms R604H, R188H.
Identifiers: ClinVar variation 3670969 (VCV003670969.2).